The following is an entry in ClinVar:

NM_006231.4(POLE):c.1021-11C>T

Gene: POLE (DNA polymerase epsilon, catalytic subunit; minus strand). Cytogenetic location: 12q24.33.
Variant type: single nucleotide variant.
Coding change: c.1021-11C>T on transcript NM_006231.4 (MANE Select); 11 bases into the intron before coding-DNA position 1021, C replaced by T.
Molecular consequence: intron variant.
Genome position (GRCh38, 1-based): chr12:132,675,831, G>A on the plus strand (C>T on the coding strand, the complement: POLE is on the minus strand). VCF-style: chr12-132675831-G-A. GRCh37 (hg19) VCF-style: chr12-133252417-G-A.
Identifiers: ClinVar variation 802910 (VCV000802910.9), dbSNP rs781431436, ClinGen allele CA6894104.

ClinVar aggregate classification (germline): Likely benign. Review status: criteria provided, multiple submitters, no conflicts (2 of 4 stars). 3 submissions from 3 submitters: Likely benign (3). Last evaluated 2025-12-10.

Conditions:
Colorectal cancer, susceptibility to, 12 (CRCS12). Also called: COLORECTAL CANCER, SUSCEPTIBILITY TO, ON CHROMOSOME 12q24. Identifiers: Orphanet 220460, MedGen C3554460, MONDO:0014038, OMIM 615083.

Allele frequency attached by ClinVar (database versions not stated): gnomAD exomes below 0.00001 and 0.00001; gnomAD 0.00001 and 0.00003; ExAC 0.00002.
gnomAD v4.1: 5 of 1,605,566 alleles (0.00031%); highest among the groups gnomAD compares: East Asian, 0.0089%; no homozygotes.

Submissions (3):

Labcorp Genetics (formerly Invitae), Labcorp
Classification: Likely benign. Last evaluated: 2025-12-10. Review status: criteria provided, single submitter. Criteria: Invitae Variant Classification Sherloc (09022015). Collection method: clinical testing. Allele origin: germline.

Myriad Genetics, Inc.
Classification: Likely benign for Colorectal cancer, susceptibility to, 12. Last evaluated: 2025-02-10. Review status: criteria provided, single submitter. Criteria: Myriad Autosomal Dominant, Autosomal Recessive and X-Linked Classification Criteria (2023). Collection method: clinical testing. Allele origin: unknown.
Comment: This variant is considered likely benign. This variant is intronic and is not expected to impact mRNA splicing.

Mendelics
Classification: Likely benign for Colorectal cancer, susceptibility to, 12. Last evaluated: 2019-05-28. Review status: criteria provided, single submitter. Criteria: Mendelics Assertion Criteria 2017. Collection method: clinical testing. Allele origin: unknown.